The following is an entry in ClinVar:

ClinVar aggregate classification (germline): Likely benign (1 of 4 stars; one submission).

gnomAD v4.1: 1,760 of 1,613,696 alleles (0.11%); highest among the groups gnomAD compares: Middle Eastern, 0.2%; 4 homozygotes.

Submission:

CeGaT Center for Human Genetics Tuebingen
Classification: Likely benign. Last evaluated: 2026-09-01. Review status: criteria provided, single submitter. Criteria: CeGaT Center For Human Genetics Tuebingen Variant Classification Criteria Version 2. Collection method: clinical testing. Allele origin: germline. Affected: yes. Observed: 3 variant alleles.
Comment: TNNC2: BP4, BP7

NM_003279.3(TNNC2):c.159G>A (p.Lys53=)

Gene: TNNC2 (troponin C2, fast skeletal type; minus strand). Cytogenetic location: 20q13.12.
Variant type: single nucleotide variant.
Coding change: c.159G>A on transcript NM_003279.3 (MANE Select); coding-DNA position 159, G replaced by A.
Protein change: p.Lys53=; no amino-acid change (lysine 53 retained).
Molecular consequence: synonymous variant.
Genome position (GRCh38, 1-based): chr20:45,824,535, C>T on the plus strand (G>A on the coding strand, the complement: TNNC2 is on the minus strand). VCF-style: chr20-45824535-C-T. GRCh37 (hg19) VCF-style: chr20-44453174-C-T.
Identifiers: ClinVar variation 5038637 (VCV005038637.1).